The following is an entry in ClinVar:

NM_001165963.4(SCN1A):c.265-4A>G

Gene: SCN1A (sodium voltage-gated channel alpha subunit 1; minus strand). Cytogenetic location: 2q24.3.
Variant type: single nucleotide variant.
Coding change: c.265-4A>G on transcript NM_001165963.4 (MANE Select); 4 bases into the intron before coding-DNA position 265, A replaced by G.
Molecular consequence: intron variant.
Genome position (GRCh38, 1-based): chr2:166,058,692, T>C on the plus strand (A>G on the coding strand, the complement: SCN1A is on the minus strand). VCF-style: chr2-166058692-T-C. GRCh37 (hg19) VCF-style: chr2-166915202-T-C.
Other names: c.265-4A>G (NM_001353949.2, NM_001353958.2, NM_001353950.2 and 10 more transcripts); c.-2161-4A>G (NM_001353961.2).
Identifiers: ClinVar variation 378505 (VCV000378505.12), dbSNP rs776470979, ClinGen allele CA1943541.

ClinVar aggregate classification (germline): Benign/Likely benign. Review status: criteria provided, multiple submitters, no conflicts (2 of 4 stars). 4 submissions from 4 submitters: Benign (1); Likely benign (3). Last evaluated 2026-07-01.

Conditions:
Early-infantile DEE. Also called: Ohtahara syndrome; Early infantile epileptic encephalopathy with suppression bursts; Early infantile epileptic encephalopathy. Identifiers: Orphanet 1934, MedGen C0393706, MONDO:0800491.
Inborn genetic diseases. Identifiers: MedGen C0950123, MeSH D030342.

Allele frequency attached by ClinVar (database versions not stated): gnomAD 0.00001; gnomAD exomes 0.00001 and 0.00005; TOPMed 0.00001; ExAC 0.00002.
gnomAD v4.1: 16 of 1,492,350 alleles (0.0011%); highest among the groups gnomAD compares: Admixed American, 0.027%; no homozygotes.

Submissions (4):

CeGaT Center for Human Genetics Tuebingen
Classification: Likely benign. Last evaluated: 2026-07-01. Review status: criteria provided, single submitter. Criteria: CeGaT Center For Human Genetics Tuebingen Variant Classification Criteria Version 2. Collection method: clinical testing. Allele origin: germline. Affected: yes. Observed: 1 variant allele.
Comment: SCN1A: BP4

Labcorp Genetics (formerly Invitae), Labcorp
Classification: Likely benign for Early-infantile DEE. Last evaluated: 2025-11-17. Review status: criteria provided, single submitter. Criteria: Invitae Variant Classification Sherloc (09022015). Collection method: clinical testing. Allele origin: germline.

Ambry Genetics
Classification: Likely benign for Inborn genetic diseases. Last evaluated: 2021-10-05. Review status: criteria provided, single submitter. Criteria: Ambry Variant Classification Scheme 2023. Collection method: clinical testing. Allele origin: germline.

GeneDx
Classification: Benign. Last evaluated: 2015-04-15. Review status: criteria provided, single submitter. Criteria: GeneDx Variant Classification (06012015). Collection method: clinical testing. Allele origin: germline. Affected: yes.
Comment: This variant is considered likely benign or benign based on one or more of the following criteria: it is a conservative change, it occurs at a poorly conserved position in the protein, it is predicted to be benign by multiple in silico algorithms, and/or has population frequency not consistent with disease.